The following is an entry in ClinVar:

ClinVar aggregate classification (germline): Uncertain significance (1 of 4 stars; one submission).

Conditions:
Joubert syndrome. Also called: JOUBERT-BOLTSHAUSER SYNDROME; Familial aplasia of the vermis. Identifiers: Orphanet 475, MedGen C5979921, MONDO:0018772.
Meckel-Gruber syndrome. Also called: DYSENCEPHALIA SPLANCHNOCYSTICA; GRUBER SYNDROME; Dysencephalia splachnocystica. Identifiers: Orphanet 564, MedGen C0265215, MONDO:0018921.

Allele frequency attached by ClinVar (database versions not stated): TOPMed below 0.00001.

Submission:

Labcorp Genetics (formerly Invitae), Labcorp
Classification: Uncertain significance for Joubert syndrome; Meckel-Gruber syndrome. Last evaluated: 2022-06-13. Review status: criteria provided, single submitter. Criteria: Invitae Variant Classification Sherloc (09022015). Collection method: clinical testing. Allele origin: germline.
Comment: In summary, the available evidence is currently insufficient to determine the role of this variant in disease. Therefore, it has been classified as a Variant of Uncertain Significance. Algorithms developed to predict the effect of sequence changes on RNA splicing suggest that this variant may disrupt the consensus splice site. Advanced modeling of protein sequence and biophysical properties (such as structural, functional, and spatial information, amino acid conservation, physicochemical variation, residue mobility, and thermodynamic stability) performed at Invitae indicates that this missense variant is expected to disrupt CC2D2A protein function. This variant has not been reported in the literature in individuals affected with CC2D2A-related conditions. This variant is not present in population databases (gnomAD no frequency). This sequence change replaces leucine, which is neutral and non-polar, with valine, which is neutral and non-polar, at codon 1267 of the CC2D2A protein (p.Leu1267Val).

NM_001378615.1(CC2D2A):c.3799C>G (p.Leu1267Val)

Genes: CC2D2A (coiled-coil and C2 domain containing 2A; plus strand), FBXL5 (F-box and leucine rich repeat protein 5; minus strand). Cytogenetic location: 4p15.32.
Variant type: single nucleotide variant.
Coding change: c.3799C>G on transcript NM_001378615.1 (MANE Select); coding-DNA position 3799, C replaced by G.
Protein change: p.Leu1267Val; replaces leucine 1267 with valine.
Molecular consequence: missense variant.
Genome position (GRCh38, 1-based): chr4:15,579,995, C>G. VCF-style: chr4-15579995-C-G. GRCh37 (hg19) VCF-style: chr4-15581618-C-G.
Other names: c.3799C>G, p.Leu1267Val (NM_001080522.2); c.3652C>G, p.Leu1218Val (NM_001378617.1); short protein forms L1218V, L1267V.
Identifiers: ClinVar variation 2004404 (VCV002004404.4), dbSNP rs1720588236, ClinGen allele CA356425492.